The following is an entry in ClinVar:

NM_000152.5(GAA):c.1996G>A (p.Ala666Thr)

Gene: GAA (alpha glucosidase; plus strand). Cytogenetic location: 17q25.3.
Variant type: single nucleotide variant.
Coding change: c.1996G>A on transcript NM_000152.5 (MANE Select); coding-DNA position 1996, G replaced by A.
Protein change: p.Ala666Thr; replaces alanine 666 with threonine.
Molecular consequence: missense variant.
Genome position (GRCh38, 1-based): chr17:80,112,983, G>A. VCF-style: chr17-80112983-G-A. GRCh37 (hg19) VCF-style: chr17-78086782-G-A.
Other names: c.1996G>A (LRG_673t1); c.1996G>A, p.Ala666Thr (NM_001079803.3, NM_001079804.3); short protein forms A666T.
Identifiers: ClinVar variation 583236 (VCV000583236.6), dbSNP rs916566117, ClinGen allele CA401370035.
Genomic context (GRCh38, chr17:80,112,983, plus strand): 5'-GTCTGCGGCTTCCTGGGCAACACCTCAGAGGAGCTGTGTGTGCGCTGGACCCAGCTGGGG[G>A]CCTTCTACCCCTTCATGCGGAACCACAACAGCCTGCTCAGTCTGGTAGGGTGGGGGTGGC-3'
Protein context (NP_000143.2, residues 656-676): ELCVRWTQLG[Ala666Thr]FYPFMRNHNS

ClinVar aggregate classification (germline): Uncertain significance (1 of 4 stars; one submission).

Conditions:
Glycogen storage disease, type II (IOPD). Also called: Glycogen storage disease type 2; Acid maltase deficiency disease; Aglucosidase alfa; Deficiency of alpha-glucosidase; Deficiency of lysosomal alpha-glucosidase; Glucosidase acid-1,4-alpha deficiency. Identifiers: Orphanet 365, MedGen C0017921, MONDO:0009290, OMIM 232300.

gnomAD v4.1: 2 of 1,610,928 alleles (0.00012%); highest among the groups gnomAD compares: South Asian, 0.0011%; no homozygotes.

Submission:

Labcorp Genetics (formerly Invitae), Labcorp
Classification: Uncertain significance for Glycogen storage disease, type II. Last evaluated: 2021-08-20. Review status: criteria provided, single submitter. Criteria: Invitae Variant Classification Sherloc (09022015). Collection method: clinical testing. Allele origin: germline.
Comment: This sequence change replaces alanine with threonine at codon 666 of the GAA protein (p.Ala666Thr). The alanine residue is highly conserved and there is a small physicochemical difference between alanine and threonine. This variant is not present in population databases (ExAC no frequency). This variant has not been reported in the literature in individuals affected with GAA-related conditions. Algorithms developed to predict the effect of missense changes on protein structure and function are either unavailable or do not agree on the potential impact of this missense change (SIFT: "Tolerated"; PolyPhen-2: "Possibly Damaging"; Align-GVGD: "Class C0"). In summary, the available evidence is currently insufficient to determine the role of this variant in disease. Therefore, it has been classified as a Variant of Uncertain Significance.